The following is an entry in ClinVar:

NM_020944.3(GBA2):c.1345C>A (p.Leu449Met)

Gene: GBA2 (glucosylceramidase beta 2; minus strand). Cytogenetic location: 9p13.3.
Variant type: single nucleotide variant.
Coding change: c.1345C>A on transcript NM_020944.3 (MANE Select); coding-DNA position 1345, C replaced by A.
Protein change: p.Leu449Met; replaces leucine 449 with methionine.
Molecular consequence: missense variant.
Genome position (GRCh38, 1-based): chr9:35,740,062, G>T on the plus strand (C>A on the coding strand, the complement: GBA2 is on the minus strand). VCF-style: chr9-35740062-G-T. GRCh37 (hg19) VCF-style: chr9-35740059-G-T.
Other names: c.1345C>A, p.Leu449Met (NM_001330660.2); short protein forms L449M.
Identifiers: ClinVar variation 2086254 (VCV002086254.4), dbSNP rs1284925339, ClinGen allele CA373413692.

ClinVar aggregate classification (germline): Uncertain significance (1 of 4 stars; one submission).

Conditions:
Spastic paraplegia. Identifiers: MedGen C0037772, HP:0001258.

Allele frequency attached by ClinVar (database versions not stated): gnomAD 0.00001; TOPMed 0.00001.
gnomAD v4.1: 7 of 1,613,996 alleles (0.00043%); highest among the groups gnomAD compares: African/African-American, 0.0027%; no homozygotes.

Submission:

Labcorp Genetics (formerly Invitae), Labcorp
Classification: Uncertain significance for Spastic paraplegia. Last evaluated: 2022-03-20. Review status: criteria provided, single submitter. Criteria: Invitae Variant Classification Sherloc (09022015). Collection method: clinical testing. Allele origin: germline.
Comment: In summary, the available evidence is currently insufficient to determine the role of this variant in disease. Therefore, it has been classified as a Variant of Uncertain Significance. Algorithms developed to predict the effect of missense changes on protein structure and function are either unavailable or do not agree on the potential impact of this missense change (SIFT: "Deleterious"; PolyPhen-2: "Probably Damaging"; Align-GVGD: "Class C0"). This variant has not been reported in the literature in individuals affected with GBA2-related conditions. This variant is present in population databases (no rsID available, gnomAD 0.01%). This sequence change replaces leucine, which is neutral and non-polar, with methionine, which is neutral and non-polar, at codon 449 of the GBA2 protein (p.Leu449Met).